The following is an entry in ClinVar:

NM_000487.6(ARSA):c.157_164del (p.Gln53fs)

Gene: ARSA (arylsulfatase A; minus strand). Cytogenetic location: 22q13.33.
Variant type: Deletion.
Coding change: c.157_164del on transcript NM_000487.6 (MANE Select); coding-DNA positions 157 to 164, 8 bases deleted (CAGCTGGC; older notation c.157_164delCAGCTGGC).
Protein change: p.Gln53fs; shifts the reading frame from glutamine 53.
Molecular consequence: frameshift variant. On other transcripts: intron variant (2).
Genome position (GRCh38, 1-based): chr22:50,627,616-50,627,623, GCCAGCTG deleted on the plus strand (CAGCTGGC on the coding strand, the reverse complement: ARSA is on the minus strand); deleting any 8 consecutive bases within chr22:50,627,616-50,627,624 gives the same sequence; the c. name uses the placement nearest the transcript's 3' end. VCF-style (leftmost placement, unchanged base first): chr22-50627615-CGCCAGCTG-C. GRCh37 (hg19) VCF-style: chr22-51066043-CGCCAGCTG-C.
Other names: c.157_164del, p.Gln53fs (NM_001085425.3, NM_001085426.3, NM_001085427.3); c.-34-217_-34-210del (NM_001362782.2, NM_001085428.3); short protein forms Q53fs.
Identifiers: ClinVar variation 1436884 (VCV001436884.6), dbSNP rs2082698834, ClinGen allele CA2410959745.

ClinVar aggregate classification (germline): Pathogenic (1 of 4 stars; one submission).

Conditions:
Metachromatic leukodystrophy (MLD). Also called: ARSA DEFICIENCY; CEREBROSIDE SULFATASE DEFICIENCY; Arylsulfatase A Deficiency; METACHROMATIC LEUKOENCEPHALOPATHY; SULFATIDE LIPIDOSIS; Cerebral sclerosis diffuse metachromatic form. Identifiers: Orphanet 512, MedGen C0023522, MONDO:0018868, OMIM 250100.

Submission:

Labcorp Genetics (formerly Invitae), Labcorp
Classification: Pathogenic for Metachromatic leukodystrophy. Last evaluated: 2024-10-16. Review status: criteria provided, single submitter. Criteria: Invitae Variant Classification Sherloc (09022015). Collection method: clinical testing. Allele origin: germline.
Comment: This sequence change creates a premature translational stop signal (p.Gln53Glyfs*20) in the ARSA gene. It is expected to result in an absent or disrupted protein product. Loss-of-function variants in ARSA are known to be pathogenic (PMID: 8962139, 10477432). This variant is not present in population databases (gnomAD no frequency). This variant has not been reported in the literature in individuals affected with ARSA-related conditions. ClinVar contains an entry for this variant (Variation ID: 1436884). For these reasons, this variant has been classified as Pathogenic.

Literature cited by the submitters: PubMed 8962139; PubMed 10477432.